The following is an entry in ClinVar:

ClinVar aggregate classification (germline): Benign/Likely benign. Review status: criteria provided, multiple submitters, no conflicts (2 of 4 stars). 4 submissions from 4 submitters: Benign (1); Likely benign (3). Last evaluated 2026-09-01.

Allele frequency attached by ClinVar (database versions not stated): 1000 Genomes Project 30x 0.00203; 1000 Genomes Project 0.00220; gnomAD 0.00501 and 0.00517; TOPMed 0.00522; ESP Exome Variant Server 0.00677.
gnomAD v4.1: 11,427 of 1,614,082 alleles (0.71%); highest among the groups gnomAD compares: Non-Finnish European, 0.87%; 61 homozygotes.

Submissions (4):

CeGaT Center for Human Genetics Tuebingen
Classification: Likely benign. Last evaluated: 2026-09-01. Review status: criteria provided, single submitter. Criteria: CeGaT Center For Human Genetics Tuebingen Variant Classification Criteria Version 2. Collection method: clinical testing. Allele origin: germline. Affected: yes. Observed: 35 variant alleles.
Comment: TTI2: BP4, BS2

Labcorp Genetics (formerly Invitae), Labcorp
Classification: Likely benign. Last evaluated: 2019-12-31. Review status: criteria provided, single submitter. Criteria: Invitae Variant Classification Sherloc (09022015). Collection method: clinical testing. Allele origin: germline.

Genetic Services Laboratory, University of Chicago
Classification: Benign. Last evaluated: 2016-12-16. Review status: criteria provided, single submitter. Criteria: ACMG Guidelines, 2015. Collection method: clinical testing. Allele origin: germline. Affected: no.

Breakthrough Genomics
Classification: Likely benign. Review status: criteria provided, single submitter. Criteria: ACMG Guidelines, 2015. Collection method: not provided. Allele origin: germline. Inheritance: Autosomal recessive inheritance. Affected: yes.

NM_001102401.4(TTI2):c.118C>T (p.Pro40Ser)

Gene: TTI2 (TELO2 interacting protein 2; minus strand). Cytogenetic location: 8p12.
Variant type: single nucleotide variant.
Coding change: c.118C>T on transcript NM_001102401.4 (MANE Select); coding-DNA position 118, C replaced by T.
Protein change: p.Pro40Ser; replaces proline 40 with serine.
Molecular consequence: missense variant.
Genome position (GRCh38, 1-based): chr8:33,512,496, G>A on the plus strand (C>T on the coding strand, the complement: TTI2 is on the minus strand). VCF-style: chr8-33512496-G-A. GRCh37 (hg19) VCF-style: chr8-33370014-G-A.
Other names: c.118C>T, p.Pro40Ser (NM_001265581.2, NM_001330505.3, NM_025115.5); short protein forms P40S.
Identifiers: ClinVar variation 437085 (VCV000437085.44), dbSNP rs78781527, ClinGen allele CA4707415.